The following is an entry in ClinVar:

ClinVar aggregate classification (germline): Uncertain significance (1 of 4 stars; one submission).

Conditions:
Familial cancer of breast. Also called: Hereditary breast cancer; hereditary breast carcinoma; BREAST CANCER, FAMILIAL. Identifiers: Orphanet 227535, MedGen C0346153, MONDO:0016419, OMIM 114480. Disease mechanism: loss of function.

Submission:

Labcorp Genetics (formerly Invitae), Labcorp
Classification: Uncertain significance for Familial cancer of breast. Last evaluated: 2022-12-14. Review status: criteria provided, single submitter. Criteria: Invitae Variant Classification Sherloc (09022015). Collection method: clinical testing. Allele origin: germline.
Comment: This variant is not present in population databases (gnomAD no frequency). This sequence change replaces glutamine, which is neutral and polar, with histidine, which is basic and polar, at codon 752 of the BARD1 protein (p.Gln752His). This variant has not been reported in the literature in individuals affected with BARD1-related conditions. In summary, the available evidence is currently insufficient to determine the role of this variant in disease. Therefore, it has been classified as a Variant of Uncertain Significance. Algorithms developed to predict the effect of missense changes on protein structure and function are either unavailable or do not agree on the potential impact of this missense change (SIFT: "Deleterious"; PolyPhen-2: "Possibly Damaging"; Align-GVGD: "Class C0"). ClinVar contains an entry for this variant (Variation ID: 839567).

NM_000465.4(BARD1):c.2256G>C (p.Gln752His)

Gene: BARD1 (BRCA1 associated RING domain 1; minus strand). Cytogenetic location: 2q35.
Variant type: single nucleotide variant.
Coding change: c.2256G>C on transcript NM_000465.4 (MANE Select); coding-DNA position 2256, G replaced by C.
Protein change: p.Gln752His; replaces glutamine 752 with histidine.
Molecular consequence: missense variant. On other transcripts: non-coding transcript variant (3).
Genome position (GRCh38, 1-based): chr2:214,728,754, C>G on the plus strand (G>C on the coding strand, the complement: BARD1 is on the minus strand). VCF-style: chr2-214728754-C-G. GRCh37 (hg19) VCF-style: chr2-215593478-C-G.
Other names: c.2199G>C, p.Gln733His (NM_001282543.2); c.903G>C, p.Gln301His (NM_001282545.2); c.846G>C, p.Gln282His (NM_001282548.2); c.717G>C, p.Gln239His (NM_001282549.2); short protein forms Q239H, Q733H, Q301H, Q752H, Q282H.
Identifiers: ClinVar variation 839567 (VCV000839567.10), dbSNP rs1692198555, ClinGen allele CA350449981.